The following is an entry in ClinVar:

NM_001134407.3(GRIN2A):c.1651+2T>A

Gene: GRIN2A (glutamate ionotropic receptor NMDA type subunit 2A; minus strand). Cytogenetic location: 16p13.2.
Variant type: single nucleotide variant.
Coding change: c.1651+2T>A on transcript NM_001134407.3 (MANE Select); the canonical splice donor site of the intron after coding-DNA position 1651, T replaced by A.
Molecular consequence: splice donor variant.
Genome position (GRCh38, 1-based): chr16:9,840,645, A>T on the plus strand (T>A on the coding strand, the complement: GRIN2A is on the minus strand). VCF-style: chr16-9840645-A-T. GRCh37 (hg19) VCF-style: chr16-9934502-A-T.
Other names: c.1651+2T>A (NM_000833.5, NM_001134408.2).
Identifiers: ClinVar variation 1468112 (VCV001468112.6), dbSNP rs2141341781, ClinGen allele CA394800167.

ClinVar aggregate classification (germline): Pathogenic (1 of 4 stars; one submission).

Conditions:
Landau-Kleffner syndrome (FESD). Also called: EPILEPSY, FOCAL, WITH SPEECH DISORDER AND WITH OR WITHOUT MENTAL RETARDATION; APHASIA, ACQUIRED, WITH EPILEPSY. Identifiers: Orphanet 1945, Orphanet 725, Orphanet 98818, MedGen C0282512, MONDO:0009509, OMIM 245570.

Submission:

Labcorp Genetics (formerly Invitae), Labcorp
Classification: Pathogenic for Landau-Kleffner syndrome. Last evaluated: 2025-02-24. Review status: criteria provided, single submitter. Criteria: Invitae Variant Classification Sherloc (09022015). Collection method: clinical testing. Allele origin: germline.
Comment: This sequence change affects a donor splice site in intron 8 of the GRIN2A gene. It is expected to disrupt RNA splicing. Variants that disrupt the donor or acceptor splice site typically lead to a loss of protein function (PMID: 16199547), and loss-of-function variants in GRIN2A are known to be pathogenic (PMID: 23933819, 23933820). This variant is not present in population databases (gnomAD no frequency). Disruption of this splice site has been observed in individual(s) with GRIN2A-related conditions (internal data). In at least one individual the variant was observed to be de novo. ClinVar contains an entry for this variant (Variation ID: 1468112). Algorithms developed to predict the effect of sequence changes on RNA splicing suggest that this variant may disrupt the consensus splice site. For these reasons, this variant has been classified as Pathogenic.

Literature cited by the submitters: PubMed 16199547; PubMed 23933819; PubMed 23933820.